The following is an entry in ClinVar:

ClinVar aggregate classification (germline): Uncertain significance (1 of 4 stars; one submission).

Submission:

Labcorp Genetics (formerly Invitae), Labcorp
Classification: Uncertain significance. Last evaluated: 2023-10-03. Review status: criteria provided, single submitter. Criteria: Invitae Variant Classification Sherloc (09022015). Collection method: clinical testing. Allele origin: germline.
Comment: This sequence change replaces asparagine, which is neutral and polar, with lysine, which is basic and polar, at codon 213 of the PCDH15 protein (p.Asn213Lys). This variant is not present in population databases (gnomAD no frequency). This variant has not been reported in the literature in individuals affected with PCDH15-related conditions. ClinVar contains an entry for this variant (Variation ID: 1461839). Advanced modeling of protein sequence and biophysical properties (such as structural, functional, and spatial information, amino acid conservation, physicochemical variation, residue mobility, and thermodynamic stability) performed at Invitae indicates that this missense variant is not expected to disrupt PCDH15 protein function. In summary, the available evidence is currently insufficient to determine the role of this variant in disease. Therefore, it has been classified as a Variant of Uncertain Significance.

NM_001384140.1(PCDH15):c.639T>G (p.Asn213Lys)

Gene: PCDH15 (protocadherin related 15; minus strand). Cytogenetic location: 10q21.1.
Variant type: single nucleotide variant.
Coding change: c.639T>G on transcript NM_001384140.1 (MANE Select); coding-DNA position 639, T replaced by G.
Protein change: p.Asn213Lys; replaces asparagine 213 with lysine.
Molecular consequence: missense variant. On other transcripts: intron variant (1).
Genome position (GRCh38, 1-based): chr10:54,329,662, A>C on the plus strand (T>G on the coding strand, the complement: PCDH15 is on the minus strand). VCF-style: chr10-54329662-A-C. GRCh37 (hg19) VCF-style: chr10-56089422-A-C.
Other names: c.654T>G, p.Asn218Lys (NM_001142763.2, NM_001142769.4, NM_001142771.2); c.639T>G, p.Asn213Lys (NM_001142764.2, NM_001142765.2, NM_001142766.2 and 7 more transcripts); c.573T>G, p.Asn191Lys (NM_001142768.2, NM_001142773.2, NM_001354404.2); c.595-12221T>G (NM_001142767.2); short protein forms N191K, N213K, N218K.
Identifiers: ClinVar variation 1461839 (VCV001461839.6), dbSNP rs2133883377, ClinGen allele CA376541257.